The following is an entry in ClinVar:

NM_000051.4(ATM):c.4363A>C (p.Ser1455Arg)

Gene: ATM (ATM serine/threonine kinase; plus strand). Cytogenetic location: 11q22.3.
Variant type: single nucleotide variant.
Coding change: c.4363A>C on transcript NM_000051.4 (MANE Select); coding-DNA position 4363, A replaced by C.
Protein change: p.Ser1455Arg; replaces serine 1455 with arginine.
Molecular consequence: missense variant.
Genome position (GRCh38, 1-based): chr11:108,289,728, A>C. VCF-style: chr11-108289728-A-C. GRCh37 (hg19) VCF-style: chr11-108160455-A-C.
Other names: c.4363A>C, p.Ser1455Arg (NM_001351834.2); c.4363A>C (NM_000051.3); short protein forms S1455R.
Identifiers: ClinVar variation 1628755 (VCV001628755.9), dbSNP rs2135763861, ClinGen allele CA382532056.

ClinVar aggregate classification (germline): Conflicting classifications of pathogenicity. Review status: criteria provided, conflicting classifications (1 of 4 stars). 2 submissions from 2 submitters: Uncertain significance (1); Benign (1). Last evaluated 2024-04-23.

Conditions:
Ataxia-telangiectasia syndrome (AT). Also called: Ataxia telangiectasia (A-T); Cerebello-oculocutaneous telangiectasia; Immunodeficiency with ataxia telangiectasia; Ataxia-telangiectasia, complementation group D; AT, COMPLEMENTATION GROUP C; LOUIS-BAR SYNDROME. Identifiers: Orphanet 100, MedGen C0004135, MONDO:0008840, OMIM 208900.
Hereditary cancer-predisposing syndrome. Also called: Hereditary Cancer Syndrome; Tumor predisposition; Neoplastic Syndromes, Hereditary; Hereditary neoplastic syndrome. Identifiers: Orphanet 140162, MedGen C0027672, MeSH D009386, MONDO:0015356.

Submissions (2):

Ambry Genetics
Classification: Uncertain significance for Hereditary cancer-predisposing syndrome. Last evaluated: 2024-04-23. Review status: criteria provided, single submitter. Criteria: Ambry Variant Classification Scheme 2023. Collection method: clinical testing. Allele origin: germline.
Comment: The p.S1455R variant (also known as c.4363A>C), located in coding exon 28 of the ATM gene, results from an A to C substitution at nucleotide position 4363. The serine at codon 1455 is replaced by arginine, an amino acid with dissimilar properties. This amino acid position is not well conserved in available vertebrate species. In addition, this alteration is predicted to be tolerated by in silico analysis. Based on the available evidence, the clinical significance of this variant remains unclear.

Labcorp Genetics (formerly Invitae), Labcorp
Classification: Benign for Ataxia-telangiectasia syndrome. Last evaluated: 2023-10-13. Review status: criteria provided, single submitter. Criteria: Invitae Variant Classification Sherloc (09022015). Collection method: clinical testing. Allele origin: germline.